The following is an entry in ClinVar:

NM_002764.4(PRPS1):c.190A>G (p.Asn64Asp)

Gene: PRPS1 (phosphoribosyl pyrophosphate synthetase 1; plus strand). Cytogenetic location: Xq22.3.
Variant type: single nucleotide variant.
Coding change: c.190A>G on transcript NM_002764.4 (MANE Select); coding-DNA position 190, A replaced by G.
Protein change: p.Asn64Asp; replaces asparagine 64 with aspartic acid.
Molecular consequence: missense variant. On other transcripts: intron variant (1).
Genome position (GRCh38, 1-based): chrX:107,639,362, A>G. VCF-style: chrX-107639362-A-G. GRCh37 (hg19) VCF-style: chrX-106882592-A-G.
Other names: c.-82-5815A>G (NM_001204402.2); short protein forms N64D.
Identifiers: ClinVar variation 1384212 (VCV001384212.6), dbSNP rs2147681443, ClinGen allele CA413804827.

ClinVar aggregate classification (germline): Uncertain significance (1 of 4 stars; one submission).

Conditions:
Charcot-Marie-Tooth Neuropathy X. Identifiers: MedGen CN118851.

Submission:

Labcorp Genetics (formerly Invitae), Labcorp
Classification: Uncertain significance for Charcot-Marie-Tooth Neuropathy X. Last evaluated: 2021-10-02. Review status: criteria provided, single submitter. Criteria: Invitae Variant Classification Sherloc (09022015). Collection method: clinical testing. Allele origin: germline.
Comment: In summary, the available evidence is currently insufficient to determine the role of this variant in disease. Therefore, it has been classified as a Variant of Uncertain Significance. Algorithms developed to predict the effect of missense changes on protein structure and function are either unavailable or do not agree on the potential impact of this missense change (SIFT: "Deleterious"; PolyPhen-2: "Benign"; Align-GVGD: "Class C0"). This variant has not been reported in the literature in individuals affected with PRPS1-related conditions. This variant is not present in population databases (ExAC no frequency). This sequence change replaces asparagine with aspartic acid at codon 64 of the PRPS1 protein (p.Asn64Asp). The asparagine residue is highly conserved and there is a small physicochemical difference between asparagine and aspartic acid.